The following is an entry in ClinVar:

NM_015450.3(POT1):c.509G>C (p.Gly170Ala)

Gene: POT1 (protection of telomeres 1; minus strand). Cytogenetic location: 7q31.33.
Variant type: single nucleotide variant.
Coding change: c.509G>C on transcript NM_015450.3 (MANE Select); coding-DNA position 509, G replaced by C.
Protein change: p.Gly170Ala; replaces glycine 170 with alanine.
Molecular consequence: missense variant. On other transcripts: non-coding transcript variant (3).
Genome position (GRCh38, 1-based): chr7:124,863,387, C>G on the plus strand (G>C on the coding strand, the complement: POT1 is on the minus strand). VCF-style: chr7-124863387-C-G. GRCh37 (hg19) VCF-style: chr7-124503441-C-G.
Other names: c.116G>C, p.Gly39Ala (NM_001042594.2); short protein forms G39A, G170A.
Identifiers: ClinVar variation 5027175 (VCV005027175.1).

ClinVar aggregate classification (germline): Uncertain significance (1 of 4 stars; one submission).

Conditions:
Hereditary cancer-predisposing syndrome. Also called: Neoplastic Syndromes, Hereditary; Tumor predisposition; Hereditary neoplastic syndrome; Hereditary Cancer Syndrome. Identifiers: Orphanet 140162, MedGen C0027672, MeSH D009386, MONDO:0015356.

Submission:

Ambry Genetics
Classification: Uncertain significance for Hereditary cancer-predisposing syndrome. Last evaluated: 2026-07-08. Review status: criteria provided, single submitter. Criteria: Ambry Variant Classification Scheme 2023. Collection method: clinical testing. Allele origin: germline.
Comment: The p.G170A variant (also known as c.509G>C), located in coding exon 4 of the POT1 gene, results from a G to C substitution at nucleotide position 509. The glycine at codon 170 is replaced by alanine, an amino acid with similar properties. This amino acid position is well conserved in available vertebrate species. In addition, the in silico prediction for this alteration is inconclusive. Based on the available evidence, the clinical significance of this variant remains unclear.